The following is an entry in ClinVar:

NM_015346.4(ZFYVE26):c.1726G>T (p.Glu576Ter)

Gene: ZFYVE26 (zinc finger FYVE-type containing 26; minus strand). Cytogenetic location: 14q24.1.
Variant type: single nucleotide variant.
Coding change: c.1726G>T on transcript NM_015346.4 (MANE Select); coding-DNA position 1726, G replaced by T.
Protein change: p.Glu576Ter; replaces glutamic acid 576 with a stop codon.
Molecular consequence: nonsense.
Genome position (GRCh38, 1-based): chr14:67,798,536, C>A on the plus strand (G>T on the coding strand, the complement: ZFYVE26 is on the minus strand). VCF-style: chr14-67798536-C-A. GRCh37 (hg19) VCF-style: chr14-68265253-C-A.
Other names: short protein forms E576*.
Identifiers: ClinVar variation 5011700 (VCV005011700.1).

ClinVar aggregate classification (germline): Pathogenic (1 of 4 stars; one submission).

Conditions:
Hereditary spastic paraplegia 15 (SPG15). Also called: SPASTIC PARAPLEGIA 15, AUTOSOMAL RECESSIVE; KJELLIN SYNDROME; SPASTIC PARAPLEGIA AND RETINAL DEGENERATION. Identifiers: Orphanet 100996, MedGen C1849128, MONDO:0010044, OMIM 270700.

Submission:

Myriad Genetics, Inc.
Classification: Pathogenic for Hereditary spastic paraplegia 15. Last evaluated: 2023-09-21. Review status: criteria provided, single submitter. Criteria: Myriad Autosomal Dominant, Autosomal Recessive and X-Linked Classification Criteria (2023). Collection method: clinical testing. Allele origin: unknown.
Comment: NM_015346.3(ZFYVE26):c.1726G>T(E576*) is expected to be pathogenic in the context of spastic paraplegia type 15. This variant is predicted to lead to an abnormal or absent protein product due to the creation of a premature termination codon in ZFYVE26, a gene where loss-of-function variants are known to be pathogenic. Please note: this variant was assessed in the context of healthy population screening.